The following is an entry in ClinVar:

ClinVar aggregate classification (germline): Uncertain significance (1 of 4 stars; one submission).

Conditions:
Short-rib thoracic dysplasia 11 with or without polydactyly (SRTD11). Also called: SHORT-RIB THORACIC DYSPLASIA 11 WITHOUT POLYDACTYLY. Identifiers: Orphanet 474, Orphanet 93271, MedGen C3810200, MONDO:0014287, OMIM 615633.

Allele frequency attached by ClinVar (database versions not stated): gnomAD exomes below 0.00001; gnomAD 0.00001; TOPMed 0.00002.
gnomAD v4.1: 2 of 1,613,066 alleles (0.00012%); highest among the groups gnomAD compares: East Asian, 0.0022%; no homozygotes.

Submission:

Labcorp Genetics (formerly Invitae), Labcorp
Classification: Uncertain significance for Short-rib thoracic dysplasia 11 with or without polydactyly. Last evaluated: 2024-04-25. Review status: criteria provided, single submitter. Criteria: Invitae Variant Classification Sherloc (09022015). Collection method: clinical testing. Allele origin: germline.
Comment: This sequence change replaces valine, which is neutral and non-polar, with methionine, which is neutral and non-polar, at codon 534 of the WDR34 protein (p.Val534Met). This variant is not present in population databases (gnomAD no frequency). This variant has not been reported in the literature in individuals affected with WDR34-related conditions. ClinVar contains an entry for this variant (Variation ID: 1681163). An algorithm developed to predict the effect of missense changes on protein structure and function (PolyPhen-2) suggests that this variant is likely to be disruptive. In summary, the available evidence is currently insufficient to determine the role of this variant in disease. Therefore, it has been classified as a Variant of Uncertain Significance.

NM_052844.4(DYNC2I2):c.1600G>A (p.Val534Met)

Gene: DYNC2I2 (dynein 2 intermediate chain 2; minus strand). Cytogenetic location: 9q34.11.
Variant type: single nucleotide variant.
Coding change: c.1600G>A on transcript NM_052844.4 (MANE Select); coding-DNA position 1600, G replaced by A.
Protein change: p.Val534Met; replaces valine 534 with methionine.
Molecular consequence: missense variant.
Genome position (GRCh38, 1-based): chr9:128,633,755, C>T on the plus strand (G>A on the coding strand, the complement: DYNC2I2 is on the minus strand). VCF-style: chr9-128633755-C-T. GRCh37 (hg19) VCF-style: chr9-131396034-C-T.
Other names: short protein forms V534M.
Identifiers: ClinVar variation 1681163 (VCV001681163.6), dbSNP rs1172178384, ClinGen allele CA375105406.